The following is an entry in ClinVar:

NM_006648.4(WNK2):c.2407C>G (p.Pro803Ala)

Gene: WNK2 (WNK lysine deficient protein kinase 2; plus strand). Cytogenetic location: 9q22.31.
Variant type: single nucleotide variant.
Coding change: c.2407C>G on transcript NM_006648.4 (MANE Select); coding-DNA position 2407, C replaced by G.
Protein change: p.Pro803Ala; replaces proline 803 with alanine.
Molecular consequence: missense variant.
Genome position (GRCh38, 1-based): chr9:93,258,955, C>G. VCF-style: chr9-93258955-C-G. GRCh37 (hg19) VCF-style: chr9-96021237-C-G.
Other names: c.2407C>G, p.Pro803Ala (NM_001282394.3); short protein forms P803A.
Identifiers: ClinVar variation 3816912 (VCV003816912.1).

ClinVar aggregate classification (germline): Uncertain significance (1 of 4 stars; one submission).

gnomAD v4.1: 14 of 1,612,582 alleles (0.00087%); highest among the groups gnomAD compares: African/African-American, 0.0013%; no homozygotes.

Submission:

Ambry Genetics
Classification: Uncertain significance. Last evaluated: 2025-01-24. Review status: criteria provided, single submitter. Criteria: Ambry Variant Classification Scheme 2023. Collection method: clinical testing. Allele origin: germline.
Comment: The p.P803A variant (also known as c.2407C>G), located in coding exon 11 of the WNK2 gene, results from a C to G substitution at nucleotide position 2407. The proline at codon 803 is replaced by alanine, an amino acid with highly similar properties. This amino acid position is conserved. In addition, this alteration is predicted to be tolerated by in silico analysis. Based on the available evidence, the clinical significance of this variant remains unclear.